The following is an entry in ClinVar:

NM_006846.4(SPINK5):c.1431-39del

Gene: SPINK5 (serine peptidase inhibitor Kazal type 5; plus strand). Cytogenetic location: 5q32.
Variant type: Deletion.
Coding change: c.1431-39del on transcript NM_006846.4 (MANE Select); 39 bases into the intron before coding-DNA position 1431, one base deleted (A; older notation c.1431-39delA).
Molecular consequence: intron variant.
Genome position (GRCh38, 1-based): chr5:148,104,913, A deleted; the last of 11 consecutive A bases (chr5:148,104,903-148,104,913); deleting any one gives the same sequence. VCF-style (leftmost placement, unchanged base first): chr5-148104902-GA-G. GRCh37 (hg19) VCF-style: chr5-147484465-GA-G.
Other names: c.1431-39del (NM_001127698.2, NM_001127699.2).
Identifiers: ClinVar variation 1226882 (VCV001226882.7), dbSNP rs34473560, ClinGen allele CA3495595.

ClinVar aggregate classification (germline): Benign. Review status: criteria provided, multiple submitters, no conflicts (2 of 4 stars). 3 submissions from 3 submitters: Benign (3). Last evaluated 2024-01-24.

Conditions:
Netherton syndrome (NETH). Also called: ERYTHRODERMA, ICHTHYOSIFORM, WITH HYPOTRICHOSIS AND HYPER-IgE; COMEL-NETHERTON SYNDROME; NETHERTON DISEASE. Identifiers: Orphanet 634, MedGen C5574950, MONDO:0009735, OMIM 256500.

Submissions (3):

Unidad de Genómica Garrahan, Hospital de Pediatría Garrahan
Classification: Benign. Last evaluated: 2024-01-24. Review status: criteria provided, single submitter. Criteria: ACMG Guidelines, 2015. Collection method: clinical testing. Allele origin: germline. Affected: no. Observed: 77 variant alleles.
Comment: This variant is classified as Benign based on local population frequency. This variant was detected in 88% of patients studied by a panel of primary immunodeficiencies. Number of patients: 77. Only high quality variants are reported.

Genome-Nilou Lab
Classification: Benign for Netherton syndrome. Last evaluated: 2021-07-15. Review status: criteria provided, single submitter. Criteria: ACMG Guidelines, 2015. Collection method: clinical testing. Allele origin: germline. Affected: no.

GeneDx
Classification: Benign. Last evaluated: 2015-03-03. Review status: criteria provided, single submitter. Criteria: GeneDx Variant Classification Process June 2021. Collection method: clinical testing. Allele origin: germline. Affected: yes.